The following is an entry in ClinVar:

NM_002691.4(POLD1):c.1243-2A>T

Gene: POLD1 (DNA polymerase delta 1, catalytic subunit; plus strand). Cytogenetic location: 19q13.33.
Variant type: single nucleotide variant.
Coding change: c.1243-2A>T on transcript NM_002691.4 (MANE Select); the canonical splice acceptor site of the intron before coding-DNA position 1243, A replaced by T.
Molecular consequence: splice acceptor variant.
Genome position (GRCh38, 1-based): chr19:50,406,180, A>T. VCF-style: chr19-50406180-A-T. GRCh37 (hg19) VCF-style: chr19-50909437-A-T.
Other names: c.1243-2A>T (NM_001256849.1, NM_001308632.1).
Identifiers: ClinVar variation 2089158 (VCV002089158.4), dbSNP rs2038870679, ClinGen allele CA406979652.
Genomic context (GRCh38, chr19:50,406,180, plus strand): 5'-GTTCTTCAGGCTTATGTGACGGGGACCCGCAGCCTGCTGCACACCCTGCCTCTCCTCCTC[A>T]GGTACAAACATTCCCTTTCCTGGGCCGTGTGGCCGGCCTTTGCTCCAACATCCGGGACTC-3'

ClinVar aggregate classification (germline): Uncertain significance (1 of 4 stars; one submission).

Conditions:
POLD1-related polyposis and colorectal cancer syndrome (CRCS10). Also called: Colorectal cancer 10; COLORECTAL CANCER, SUSCEPTIBILITY TO, ON CHROMOSOME 19q; Colorectal cancer, susceptibility to, 10. Identifiers: Orphanet 220460, MedGen C2675481, MONDO:0012953, OMIM 612591.

Submission:

Labcorp Genetics (formerly Invitae), Labcorp
Classification: Uncertain significance for POLD1-related polyposis and colorectal cancer syndrome. Last evaluated: 2022-01-22. Review status: criteria provided, single submitter. Criteria: Invitae Variant Classification Sherloc (09022015). Collection method: clinical testing. Allele origin: germline.
Comment: In summary, the available evidence is currently insufficient to determine the role of this variant in disease. Therefore, it has been classified as a Variant of Uncertain Significance. Algorithms developed to predict the effect of sequence changes on RNA splicing suggest that this variant may disrupt the consensus splice site. This variant has not been reported in the literature in individuals affected with POLD1-related conditions. This variant is not present in population databases (gnomAD no frequency). This sequence change affects an acceptor splice site in intron 10 of the POLD1 gene. Missense variants that disrupt the 3'-5' exonuclease (proof-reading) activity of the POLD1 protein are associated with an increased risk for colonic adenomatous polyps and colon cancer (PMID: 23263490, 23447401). However, loss-of-function variants that result in an absent or severely disrupted POLD1 protein, and missense variants outside the exonuclease domain, are unlikely to be associated with polyposis or colon cancer.

Literature cited by the submitters: PubMed 23263490; PubMed 23447401.